The following is an entry in ClinVar:

ClinVar aggregate classification (germline): Likely pathogenic (1 of 4 stars; one submission).

Conditions:
Thrombophilia due to protein S deficiency, autosomal dominant (THPH5). Identifiers: Orphanet 26349, Orphanet 743, MedGen C3278211, MONDO:0012868, OMIM 612336. Disease mechanism: loss of function.
Thrombophilia due to protein S deficiency, autosomal recessive (THPH6). Identifiers: Orphanet 743, MedGen C3281092, MONDO:0013791, OMIM 614514. Disease mechanism: loss of function.

Submission:

Juno Genomics, Hangzhou Juno Genomics, Inc
Classification: Likely pathogenic for Thrombophilia due to protein S deficiency, autosomal dominant; Thrombophilia due to protein S deficiency, autosomal recessive. Review status: criteria provided, single submitter. Criteria: ACMG Guidelines, 2015. Collection method: clinical testing. Allele origin: germline.
Comment: Null variant in a gene where loss of function (LOF) is a known mechanism of disease.;Absent from controls (or at extremely low frequency if recessive) in Genome Aggregation Database.

NM_000313.4(PROS1):c.769_770del (p.Val257fs)

Gene: PROS1 (protein S; minus strand). Cytogenetic location: 3q11.1.
Variant type: Microsatellite.
Coding change: c.769_770del on transcript NM_000313.4 (MANE Select); coding-DNA positions 769 to 770, 2 bases deleted (GT; older notation c.769_770delGT).
Protein change: p.Val257fs; shifts the reading frame from valine 257.
Molecular consequence: frameshift variant.
Genome position (GRCh38, 1-based): chr3:93,898,527-93,898,528, AC deleted on the plus strand (GT on the coding strand, the reverse complement: PROS1 is on the minus strand); deleting any 2 consecutive bases within chr3:93,898,527-93,898,531 gives the same sequence; the c. name uses the placement nearest the transcript's 3' end. VCF-style (leftmost placement, unchanged base first): chr3-93898526-GAC-G. GRCh37 (hg19) VCF-style: chr3-93617370-GAC-G.
Other names: c.865_866del, p.Val289fs (NM_001314077.2); short protein forms V257fs, V289fs.
Identifiers: ClinVar variation 3382058 (VCV003382058.3).